The following is an entry in ClinVar:

ClinVar aggregate classification (germline): Conflicting classifications of pathogenicity. Review status: criteria provided, conflicting classifications (1 of 4 stars). 7 submissions from 7 submitters: Uncertain significance (5); Benign (2). Last evaluated 2026-04-23.

Conditions:
Hereditary cancer-predisposing syndrome. Also called: Tumor predisposition; Hereditary neoplastic syndrome; Neoplastic Syndromes, Hereditary; Hereditary Cancer Syndrome. Identifiers: Orphanet 140162, MedGen C0027672, MeSH D009386, MONDO:0015356.
Tuberous sclerosis syndrome (TSC). Also called: Tuberous Sclerosis Complex; Tuberous sclerosis. Identifiers: Orphanet 805, MedGen C0041341, MONDO:0001734.
Isolated focal cortical dysplasia type II (FCORD2). Also called: Focal cortical dysplasia type II; CORTICAL DYSPLASIA OF TAYLOR. Identifiers: Orphanet 268994, MedGen C1846385, MONDO:0011818, OMIM 607341, HP:0032051.
Tuberous sclerosis 2 (TSC2). Identifiers: Orphanet 805, MedGen C1860707, MONDO:0013199, OMIM 613254.

Allele frequency attached by ClinVar (database versions not stated): TOPMed 0.00001; gnomAD exomes 0.00001; gnomAD 0.00002.
gnomAD v4.1: 4 of 1,613,764 alleles (0.00025%); highest among the groups gnomAD compares: Non-Finnish European, 0.00034%; no homozygotes.

Submissions (7):

Ambry Genetics
Classification: Benign for Hereditary cancer-predisposing syndrome. Last evaluated: 2026-04-23. Review status: criteria provided, single submitter. Criteria: Ambry Variant Classification Scheme 2023. Collection method: clinical testing. Allele origin: germline.

Labcorp Genetics (formerly Invitae), Labcorp
Classification: Benign for Tuberous sclerosis 2. Last evaluated: 2025-11-17. Review status: criteria provided, single submitter. Criteria: Invitae Variant Classification Sherloc (09022015). Collection method: clinical testing. Allele origin: germline.

Color Diagnostics, LLC DBA Color Health
Classification: Uncertain significance for Tuberous sclerosis syndrome. Last evaluated: 2025-06-09. Review status: criteria provided, single submitter. Criteria: ACMG Guidelines, 2015. Collection method: clinical testing. Allele origin: germline.
Comment: This missense variant replaces lysine with arginine at codon 72 of the TSC2 protein. Computational prediction suggests that this variant may not impact protein structure and function. To our knowledge, functional studies have not been reported for this variant. This variant has not been reported in individuals affected with TSC2-related disorders in the literature. This variant has been identified in 2/250948 chromosomes in the general population by the Genome Aggregation Database (gnomAD). The available evidence is insufficient to determine the role of this variant in disease conclusively. Therefore, this variant is classified as a Variant of Uncertain Significance.

GeneDx
Classification: Uncertain significance. Last evaluated: 2024-04-01. Review status: criteria provided, single submitter. Criteria: GeneDx Variant Classification Process June 2021. Collection method: clinical testing. Allele origin: germline. Affected: yes.
Comment: In silico analysis supports that this missense variant does not alter protein structure/function; Has not been previously published as pathogenic or benign to our knowledge; This variant is associated with the following publications: (PMID: 18466115)

All of Us Research Program, National Institutes of Health
Classification: Uncertain significance for Tuberous sclerosis syndrome. Last evaluated: 2023-10-27. Review status: criteria provided, single submitter. Criteria: ACMG Guidelines, 2015. Collection method: clinical testing. Allele origin: germline. Inheritance: Autosomal dominant inheritance. Observed: 2 variant alleles, 2 heterozygotes.
Comment: This missense variant replaces lysine with arginine at codon 72 of the TSC2 protein. Computational prediction suggests that this variant may not impact protein structure and function (internally defined REVEL score threshold <= 0.5, PMID: 27666373). To our knowledge, functional studies have not been reported for this variant. This variant has not been reported in individuals affected with TSC2-related disorders in the literature. This variant has been identified in 2/250948 chromosomes in the general population by the Genome Aggregation Database (gnomAD). The available evidence is insufficient to determine the role of this variant in disease conclusively. Therefore, this variant is classified as a Variant of Uncertain Significance.

This study involves interpretation of variants in research participants for the purpose of population health screening. Participant phenotype was not available at the time of variant classification. Additional details can be found in publication PMID: 35346344, PMCID: PMC8962531

Baylor Genetics
Classification: Uncertain significance for Isolated focal cortical dysplasia type II. Last evaluated: 2023-08-09. Review status: criteria provided, single submitter. Criteria: ACMG Guidelines, 2015. Collection method: clinical testing. Allele origin: unknown.

Genome-Nilou Lab
Classification: Uncertain significance for Tuberous sclerosis 2. Last evaluated: 2021-11-07. Review status: criteria provided, single submitter. Criteria: ACMG Guidelines, 2015. Collection method: clinical testing. Allele origin: germline. Affected: no.

NM_000548.5(TSC2):c.215A>G (p.Lys72Arg)

Gene: TSC2 (TSC complex subunit 2; plus strand). Cytogenetic location: 16p13.3.
Variant type: single nucleotide variant.
Coding change: c.215A>G on transcript NM_000548.5 (MANE Select); coding-DNA position 215, A replaced by G.
Protein change: p.Lys72Arg; replaces lysine 72 with arginine.
Molecular consequence: missense variant. On other transcripts: 5 prime UTR variant (1).
Genome position (GRCh38, 1-based): chr16:2,050,476, A>G. VCF-style: chr16-2050476-A-G. GRCh37 (hg19) VCF-style: chr16-2100477-A-G.
Other names: c.215A>G, p.Lys72Arg (NM_001077183.3, NM_001114382.3, NM_001318827.2 and 4 more transcripts); c.68A>G, p.Lys23Arg (NM_001318829.2); c.-12A>G (NM_001318831.2); c.248A>G, p.Lys83Arg (NM_001318832.2); short protein forms K72R, K23R, K83R.
Identifiers: ClinVar variation 467927 (VCV000467927.21), dbSNP rs1489623582, ClinGen allele CA394303587.